The following is an entry in ClinVar:

ClinVar aggregate classification (germline): Uncertain significance. Review status: criteria provided, multiple submitters, no conflicts (2 of 4 stars). 2 submissions from 2 submitters: Uncertain significance (2). Last evaluated 2023-09-27.

Conditions:
Hereditary glaucoma, primary closed-angle. Also called: Glaucoma, primary closed-angle. Identifiers: MedGen C5394374, MONDO:0030038, OMIM 618880.
Knobloch syndrome 1 (KNO1). Identifiers: MedGen C4551775, MONDO:0800167, OMIM 267750.

Allele frequency attached by ClinVar (database versions not stated): gnomAD exomes below 0.00001; TOPMed below 0.00001; gnomAD 0.00001.
gnomAD v4.1: 7 of 1,535,504 alleles (0.00046%); highest among the groups gnomAD compares: Admixed American, 0.0019%; no homozygotes.

Submissions (2):

Labcorp Genetics (formerly Invitae), Labcorp
Classification: Uncertain significance. Last evaluated: 2023-09-27. Review status: criteria provided, single submitter. Criteria: Invitae Variant Classification Sherloc (09022015). Collection method: clinical testing. Allele origin: germline.
Comment: In summary, the available evidence is currently insufficient to determine the role of this variant in disease. Therefore, it has been classified as a Variant of Uncertain Significance. Experimental studies and prediction algorithms are not available or were not evaluated, and the functional significance of this variant is currently unknown. ClinVar contains an entry for this variant (Variation ID: 1511225). This variant has not been reported in the literature in individuals affected with COL18A1-related conditions. This variant is present in population databases (no rsID available, gnomAD 0.004%). This sequence change replaces alanine, which is neutral and non-polar, with valine, which is neutral and non-polar, at codon 1146 of the COL18A1 protein (p.Ala1146Val).

Fulgent Genetics
Classification: Uncertain significance for Knobloch syndrome 1; Hereditary glaucoma, primary closed-angle. Last evaluated: 2021-09-09. Review status: criteria provided, single submitter. Criteria: ACMG Guidelines, 2015. Collection method: clinical testing. Allele origin: unknown.

NM_001379500.1(COL18A1):c.3446C>T (p.Ala1149Val)

Genes: COL18A1 (collagen type XVIII alpha 1 chain; plus strand), SLC19A1 (solute carrier family 19 member 1; minus strand). Cytogenetic location: 21q22.3.
Variant type: single nucleotide variant.
Coding change: c.3446C>T on transcript NM_001379500.1 (MANE Select); coding-DNA position 3446, C replaced by T.
Protein change: p.Ala1149Val; replaces alanine 1149 with valine.
Molecular consequence: missense variant.
Genome position (GRCh38, 1-based): chr21:45,509,552, C>T. VCF-style: chr21-45509552-C-T. GRCh37 (hg19) VCF-style: chr21-46929466-C-T.
Other names: c.3977C>T, p.Ala1326Val (NM_030582.4); c.4682C>T, p.Ala1561Val (NM_130444.3); short protein forms A1149V, A1326V, A1561V.
Identifiers: ClinVar variation 1511225 (VCV001511225.7), dbSNP rs1395632086, ClinGen allele CA410501117.